The following is an entry in ClinVar:

ClinVar aggregate classification (germline): Uncertain significance. Review status: criteria provided, multiple submitters, no conflicts (2 of 4 stars). 9 submissions from 6 submitters: Uncertain significance (9). Last evaluated 2025-06-18.

Conditions:
Congenital myopathy 18. Also called: DIHYDROPYRIDINE RECEPTOR CONGENITAL MYOPATHY; DHPR CONGENITAL MYOPATHY; Myopathy, congenital, due to dihydropyridine receptor defect. Identifiers: MedGen C5830283, MONDO:0859514, OMIM 620246.
CACNA1S-related disorder. Also called: CACNA1S-related condition.
Malignant hyperthermia, susceptibility to, 5 (MHS5). Also called: CACNA1S-Related Malignant Hyperthermia Susceptibility. Identifiers: Orphanet 423, MedGen C1866077, MONDO:0011163, OMIM 601887.
Hypokalemic periodic paralysis, type 1. Also called: HypoPP; Hypokalemic Periodic Paralysis Type 1 (AD). Identifiers: Orphanet 681, MedGen C3714580, MONDO:0042979, OMIM 170400.
Thyrotoxic periodic paralysis, susceptibility to, 1 (TTPP1). Identifiers: Orphanet 79102, MedGen C2749982, MONDO:0008570, OMIM 188580.

Allele frequency attached by ClinVar (database versions not stated): TOPMed 0.00001; gnomAD 0.00002 and 0.00004; 1000 Genomes Project 0.00040; 1000 Genomes Project 30x 0.00047.
gnomAD v4.1: 34 of 1,613,306 alleles (0.0021%); highest among the groups gnomAD compares: Middle Eastern, 0.017%; 1 homozygote.

Submissions (9):

Color Diagnostics, LLC DBA Color Health
Classification: Uncertain significance for Malignant hyperthermia, susceptibility to, 5. Last evaluated: 2025-06-18. Review status: criteria provided, single submitter. Criteria: ACMG Guidelines, 2015. Collection method: clinical testing. Allele origin: germline.
Comment: This missense variant replaces valine with methionine at codon 923 of the CACNA1S protein. Computational prediction suggests that this variant may have deleterious impact on protein structure and function. To our knowledge, functional studies have not been reported for this variant. This variant has been identified in a family affected with malignant hyperthermia susceptibility (PMID: 25735680). This variant has been identified in 5/250190 chromosomes in the general population by the Genome Aggregation Database (gnomAD). The available evidence is insufficient to determine the role of this variant in disease conclusively. Therefore, this variant is classified as a Variant of Uncertain Significance.

Labcorp Genetics (formerly Invitae), Labcorp
Classification: Uncertain significance for Hypokalemic periodic paralysis, type 1; Malignant hyperthermia, susceptibility to, 5. Last evaluated: 2024-10-21. Review status: criteria provided, single submitter. Criteria: Invitae Variant Classification Sherloc (09022015). Collection method: clinical testing. Allele origin: germline.
Comment: This sequence change replaces valine, which is neutral and non-polar, with methionine, which is neutral and non-polar, at codon 923 of the CACNA1S protein (p.Val923Met). This variant is present in population databases (rs571902899, gnomAD 0.02%). This missense change has been observed in individual(s) with malignant hyperthermia susceptibility (PMID: 25735680). ClinVar contains an entry for this variant (Variation ID: 473980). Invitae Evidence Modeling of protein sequence and biophysical properties (such as structural, functional, and spatial information, amino acid conservation, physicochemical variation, residue mobility, and thermodynamic stability) has been performed for this missense variant. However, the output from this modeling did not meet the statistical confidence thresholds required to predict the impact of this variant on CACNA1S protein function. In summary, the available evidence is currently insufficient to determine the role of this variant in disease. Therefore, it has been classified as a Variant of Uncertain Significance.

All of Us Research Program, National Institutes of Health
Classification: Uncertain significance for Malignant hyperthermia, susceptibility to, 5. Last evaluated: 2023-12-13. Review status: criteria provided, single submitter. Criteria: ACMG Guidelines, 2015. Collection method: clinical testing. Allele origin: germline. Inheritance: Autosomal dominant inheritance. Observed: 7 variant alleles, 7 heterozygotes.
Comment: This missense variant replaces valine with methionine at codon 923 of the CACNA1S protein. Computational prediction suggests that this variant may have deleterious impact on protein structure and function (internally defined REVEL score threshold >= 0.7, PMID: 27666373). To our knowledge, functional studies have not been reported for this variant. This variant has been identified in a family affected with malignant hyperthermia susceptibility (PMID: 25735680). This variant has been identified in 5/250190 chromosomes in the general population by the Genome Aggregation Database (gnomAD). The available evidence is insufficient to determine the role of this variant in disease conclusively. Therefore, this variant is classified as a Variant of Uncertain Significance.

This study involves interpretation of variants in research participants for the purpose of population health screening. Participant phenotype was not available at the time of variant classification. Additional details can be found in publication PMID: 35346344, PMCID: PMC8962531

Genome-Nilou Lab
Classification: Uncertain significance for Malignant hyperthermia, susceptibility to, 5. Last evaluated: 2023-04-11. Review status: criteria provided, single submitter. Criteria: ACMG Guidelines, 2015. Collection method: clinical testing. Allele origin: germline. Affected: no.

Genome-Nilou Lab
Classification: Uncertain significance for Thyrotoxic periodic paralysis, susceptibility to, 1. Last evaluated: 2023-04-11. Review status: criteria provided, single submitter. Criteria: ACMG Guidelines, 2015. Collection method: clinical testing. Allele origin: germline. Affected: no.

Genome-Nilou Lab
Classification: Uncertain significance for Congenital myopathy 18. Last evaluated: 2023-04-11. Review status: criteria provided, single submitter. Criteria: ACMG Guidelines, 2015. Collection method: clinical testing. Allele origin: germline. Affected: no.

Genome-Nilou Lab
Classification: Uncertain significance for Hypokalemic periodic paralysis, type 1. Last evaluated: 2023-04-11. Review status: criteria provided, single submitter. Criteria: ACMG Guidelines, 2015. Collection method: clinical testing. Allele origin: germline. Affected: no.

PreventionGenetics, part of Exact Sciences
Classification: Uncertain significance for CACNA1S-related condition. Last evaluated: 2023-03-24. Review status: criteria provided, single submitter. Criteria: ACMG Guidelines, 2015. Collection method: clinical testing. Allele origin: germline.
Comment: The CACNA1S c.2767G>A variant is predicted to result in the amino acid substitution p.Val923Met. To our knowledge, this variant has not been reported in the literature. This variant is reported in 0.011% of alleles in individuals of East Asian descent in gnomAD. Although we suspect that this variant may be benign, at this time, the clinical significance of this variant is uncertain due to the absence of conclusive functional and genetic evidence.

Fulgent Genetics
Classification: Uncertain significance for Hypokalemic periodic paralysis, type 1; Thyrotoxic periodic paralysis, susceptibility to, 1; Malignant hyperthermia, susceptibility to, 5. Last evaluated: 2018-10-31. Review status: criteria provided, single submitter. Criteria: ACMG Guidelines, 2015. Collection method: clinical testing. Allele origin: unknown.

Literature cited by the submitters: PubMed 25735680 (cited by 3 submitters).

NM_000069.3(CACNA1S):c.2767G>A (p.Val923Met)

Gene: CACNA1S (calcium voltage-gated channel subunit alpha1 S; minus strand). Cytogenetic location: 1q32.1.
Variant type: single nucleotide variant.
Coding change: c.2767G>A on transcript NM_000069.3 (MANE Select); coding-DNA position 2767, G replaced by A.
Protein change: p.Val923Met; replaces valine 923 with methionine.
Molecular consequence: missense variant.
Genome position (GRCh38, 1-based): chr1:201,065,924, C>T on the plus strand (G>A on the coding strand, the complement: CACNA1S is on the minus strand). VCF-style: chr1-201065924-C-T. GRCh37 (hg19) VCF-style: chr1-201035052-C-T.
Other names: short protein forms V923M.
Identifiers: ClinVar variation 473980 (VCV000473980.16), dbSNP rs571902899, ClinGen allele CA079281.